The following is an entry in ClinVar:

NM_004260.4(RECQL4):c.3226G>T (p.Ala1076Ser)

Gene: RECQL4 (RecQ like helicase 4; minus strand). Cytogenetic location: 8q24.3.
Variant type: single nucleotide variant.
Coding change: c.3226G>T on transcript NM_004260.4 (MANE Select); coding-DNA position 3226, G replaced by T.
Protein change: p.Ala1076Ser; replaces alanine 1076 with serine.
Molecular consequence: missense variant. On other transcripts: non-coding transcript variant (3).
Genome position (GRCh38, 1-based): chr8:144,512,154, C>A on the plus strand (G>T on the coding strand, the complement: RECQL4 is on the minus strand). VCF-style: chr8-144512154-C-A. GRCh37 (hg19) VCF-style: chr8-145737537-C-A.
Other names: c.2932G>T, p.Ala978Ser (NM_001413017.1); c.3028G>T, p.Ala1010Ser (NM_001413018.1); c.3301G>T, p.Ala1101Ser (NM_001413019.1); c.3130G>T, p.Ala1044Ser (NM_001413020.1); c.2155G>T, p.Ala719Ser (NM_001413021.1, NM_001413022.1, NM_001413024.1 and 4 more transcripts); c.2230G>T, p.Ala744Ser (NM_001413023.1); c.3097G>T, p.Ala1033Ser (NM_001413025.1); c.2089G>T, p.Ala697Ser (NM_001413027.1, NM_001413030.1, NM_001413032.1); and 9 more; short protein forms A1010S, A1033S, A1076S, A1101S, A675S, A744S, A709S, A719S.
Identifiers: ClinVar variation 2828819 (VCV002828819.25), dbSNP rs1192096078, ClinGen allele CA372669682.

ClinVar aggregate classification (germline): Uncertain significance. Review status: criteria provided, multiple submitters, no conflicts (2 of 4 stars). 2 submissions from 2 submitters: Uncertain significance (2). Last evaluated 2024-01-01.

Conditions:
Baller-Gerold syndrome (BGS). Also called: CRANIOSYNOSTOSIS WITH RADIAL DEFECTS. Identifiers: Orphanet 1225, MedGen C0265308, MONDO:0009039, OMIM 218600.

Allele frequency attached by ClinVar (database versions not stated): gnomAD exomes below 0.00001.
gnomAD v4.1: 1 of 1,608,816 alleles (0.000062%); highest among the groups gnomAD compares: Non-Finnish European, 0.000085%; no homozygotes.

Submissions (2):

CeGaT Center for Human Genetics Tuebingen
Classification: Uncertain significance. Last evaluated: 2024-01-01. Review status: criteria provided, single submitter. Criteria: CeGaT Center For Human Genetics Tuebingen Variant Classification Criteria Version 2. Collection method: clinical testing. Allele origin: germline. Affected: yes. Observed: 1 variant allele.
Comment: RECQL4: PM2, BP4

Labcorp Genetics (formerly Invitae), Labcorp
Classification: Uncertain significance for Baller-Gerold syndrome. Last evaluated: 2023-03-17. Review status: criteria provided, single submitter. Criteria: Invitae Variant Classification Sherloc (09022015). Collection method: clinical testing. Allele origin: germline.
Comment: This sequence change replaces alanine, which is neutral and non-polar, with serine, which is neutral and polar, at codon 1076 of the RECQL4 protein (p.Ala1076Ser). The frequency data for this variant in the population databases is considered unreliable, as metrics indicate poor data quality at this position in the gnomAD database. In summary, the available evidence is currently insufficient to determine the role of this variant in disease. Therefore, it has been classified as a Variant of Uncertain Significance. Advanced modeling of protein sequence and biophysical properties (such as structural, functional, and spatial information, amino acid conservation, physicochemical variation, residue mobility, and thermodynamic stability) performed at Invitae indicates that this missense variant is not expected to disrupt RECQL4 protein function. This variant has not been reported in the literature in individuals affected with RECQL4-related conditions.